The following is an entry in ClinVar:

NM_025137.4(SPG11):c.1407T>G (p.Cys469Trp)

Gene: SPG11 (SPG11 vesicle trafficking associated, spatacsin; minus strand). Cytogenetic location: 15q21.1.
Variant type: single nucleotide variant.
Coding change: c.1407T>G on transcript NM_025137.4 (MANE Select); coding-DNA position 1407, T replaced by G.
Protein change: p.Cys469Trp; replaces cysteine 469 with tryptophan.
Molecular consequence: missense variant.
Genome position (GRCh38, 1-based): chr15:44,651,540, A>C on the plus strand (T>G on the coding strand, the complement: SPG11 is on the minus strand). VCF-style: chr15-44651540-A-C. GRCh37 (hg19) VCF-style: chr15-44943738-A-C.
Other names: c.1407T>G, p.Cys469Trp (NM_001160227.2); short protein forms C469W.
Identifiers: ClinVar variation 1345525 (VCV001345525.8), dbSNP rs2141105909, ClinGen allele CA392235908.

ClinVar aggregate classification (germline): Uncertain significance (1 of 4 stars; one submission).

Conditions:
Hereditary spastic paraplegia 11. Also called: Spastic Paraplegia 11; Nakamura Osame syndrome; Autosomal recessive hereditary spastic paraplegia, mental impairment, and thin corpus callosum; SPASTIC PARAPLEGIA, AUTOSOMAL RECESSIVE, COMPLICATED, WITH THIN CORPUS CALLOSUM; SPASTIC PARAPLEGIA, AUTOSOMAL RECESSIVE, WITH MENTAL IMPAIRMENT AND THIN CORPUS CALLOSUM; Spastic paraplegia, mental retardation and thin corpus callosum. Identifiers: Orphanet 2822, MedGen C1858479, MONDO:0011445, OMIM 604360.

Allele frequency attached by ClinVar (database versions not stated): gnomAD exomes below 0.00001.
gnomAD v4.1: 3 of 1,614,186 alleles (0.00019%); highest among the groups gnomAD compares: Non-Finnish European, 0.00025%; no homozygotes.

Submission:

Labcorp Genetics (formerly Invitae), Labcorp
Classification: Uncertain significance for Hereditary spastic paraplegia 11. Last evaluated: 2021-12-02. Review status: criteria provided, single submitter. Criteria: Invitae Variant Classification Sherloc (09022015). Collection method: clinical testing. Allele origin: germline.
Comment: This sequence change replaces cysteine, which is neutral and slightly polar, with tryptophan, which is neutral and slightly polar, at codon 469 of the SPG11 protein (p.Cys469Trp). This variant is not present in population databases (gnomAD no frequency). This variant has not been reported in the literature in individuals affected with SPG11-related conditions. Algorithms developed to predict the effect of missense changes on protein structure and function are either unavailable or do not agree on the potential impact of this missense change (SIFT: "Deleterious"; PolyPhen-2: "Probably Damaging"; Align-GVGD: "Class C0"). In summary, the available evidence is currently insufficient to determine the role of this variant in disease. Therefore, it has been classified as a Variant of Uncertain Significance.